The following is an entry in ClinVar:

NM_000329.3(RPE65):c.535G>A (p.Ala179Thr)

Gene: RPE65 (retinoid isomerohydrolase RPE65; minus strand). Cytogenetic location: 1p31.3.
Variant type: single nucleotide variant.
Coding change: c.535G>A on transcript NM_000329.3 (MANE Select); coding-DNA position 535, G replaced by A.
Protein change: p.Ala179Thr; replaces alanine 179 with threonine.
Molecular consequence: missense variant.
Genome position (GRCh38, 1-based): chr1:68,440,961, C>T on the plus strand (G>A on the coding strand, the complement: RPE65 is on the minus strand). VCF-style: chr1-68440961-C-T. GRCh37 (hg19) VCF-style: chr1-68906644-C-T.
Other names: short protein forms A179T.
Identifiers: ClinVar variation 1019717 (VCV001019717.6), dbSNP rs1645898290, ClinGen allele CA340747154.

ClinVar aggregate classification (germline): Uncertain significance (1 of 4 stars; one submission).

Conditions:
Leber congenital amaurosis 2 (LCA2). Also called: AMAUROSIS CONGENITA OF LEBER II; Autosomal Recessive RPE65-Related Retinal Degeneration. Identifiers: Orphanet 65, MedGen C1859844, MONDO:0008765, OMIM 204100. Disease mechanism: loss of function.
Retinitis pigmentosa 20 (RP20). Identifiers: Orphanet 791, MedGen C3151086, MONDO:0013425, OMIM 613794.

Submission:

Labcorp Genetics (formerly Invitae), Labcorp
Classification: Uncertain significance for Leber congenital amaurosis 2; Retinitis pigmentosa 20. Last evaluated: 2021-09-02. Review status: criteria provided, single submitter. Criteria: Invitae Variant Classification Sherloc (09022015). Collection method: clinical testing. Allele origin: germline.
Comment: This sequence change replaces alanine with threonine at codon 179 of the RPE65 protein (p.Ala179Thr). The alanine residue is highly conserved and there is a small physicochemical difference between alanine and threonine. This variant is not present in population databases (ExAC no frequency). This variant has not been reported in the literature in individuals affected with RPE65-related conditions. Algorithms developed to predict the effect of missense changes on protein structure and function are either unavailable or do not agree on the potential impact of this missense change (SIFT: "Tolerated"; PolyPhen-2: "Probably Damaging"; Align-GVGD: "Class C0"). In summary, the available evidence is currently insufficient to determine the role of this variant in disease. Therefore, it has been classified as a Variant of Uncertain Significance.